The following is an entry in ClinVar:

ClinVar aggregate classification (germline): Uncertain significance (1 of 4 stars; one submission).

Submission:

Dasa
Classification: Uncertain significance. Last evaluated: 2026-02-12. Review status: criteria provided, single submitter. Criteria: DASA Assertion Criteria. Collection method: clinical testing. Allele origin: germline.
Comment: NM_001394062.1(MACF1):c.379C>T (p.Arg127Cys) is a missense variant that results in the substitution of arginine with cysteine. This variant is rare in population databases. Computational prediction algorithms are consistent with a deleterious effect. The currently available literature and clinical evidence are not sufficient to establish a definitive association between this variant and the reported condition. Therefore, this variant is classified as a variant of uncertain significance.

NM_001394062.1(MACF1):c.379C>T (p.Arg127Cys)

Gene: MACF1 (microtubule actin crosslinking factor 1; plus strand). Cytogenetic location: 1p34.3.
Variant type: single nucleotide variant.
Coding change: c.379C>T on transcript NM_001394062.1 (MANE Select); coding-DNA position 379, C replaced by T.
Protein change: p.Arg127Cys; replaces arginine 127 with cysteine.
Molecular consequence: missense variant.
Genome position (GRCh38, 1-based): chr1:39,254,319, C>T. VCF-style: chr1-39254319-C-T. GRCh37 (hg19) VCF-style: chr1-39719991-C-T.
Other names: c.394C>T, p.Arg132Cys (NM_012090.5); short protein forms R127C, R132C.
Identifiers: ClinVar variation 4881632 (VCV004881632.2).
Genomic context (GRCh38, chr1:39,254,319, plus strand): 5'-GTAGCCAGAATTAACATCCCTTTTTTTGTTTGTTTGCAGCCCCGGGAGAAGGGCAGGATG[C>T]GTTTTCATAGGCTGCAGAATGTGCAGATTGCCCTGGACTTCCTAAAGCAGCGACAGGTAA-3'
Protein context (NP_001380991.1, residues 117-137): DDVPREKGRM[Arg127Cys]FHRLQNVQIA